The following is an entry in ClinVar:

NM_000051.4(ATM):c.5203dup (p.Thr1735fs)

Gene: ATM (ATM serine/threonine kinase; plus strand). Cytogenetic location: 11q22.3.
Variant type: Duplication.
Coding change: c.5203dup on transcript NM_000051.4 (MANE Select); coding-DNA position 5203, one base duplicated (A; older notation c.5203dupA).
Protein change: p.Thr1735fs; shifts the reading frame from threonine 1735.
Molecular consequence: frameshift variant.
Genome position (GRCh38, 1-based): chr11:108,301,673, A duplicated. VCF-style (leftmost placement, unchanged base first): chr11-108301672-T-TA. GRCh37 (hg19) VCF-style: chr11-108172399-T-TA.
Other names: c.5203dupA (NM_000051.4, NM_000051.3); c.5203dup, p.Thr1735fs (NM_001351834.2); short protein forms T1735fs.
Identifiers: ClinVar variation 236731 (VCV000236731.23), dbSNP rs878853518, ClinGen allele CA10582826.

ClinVar aggregate classification (germline): Pathogenic/Likely pathogenic. Review status: criteria provided, multiple submitters, no conflicts (2 of 4 stars). 9 submissions from 9 submitters: Pathogenic (5); Likely pathogenic (2). 2 of the submissions do not count toward it. Last evaluated 2026-09-14.

Conditions:
ATM-related cancer predisposition. Also called: ATM-related cancer susceptibility. Identifiers: MedGen CN377759, MONDO:0700270.
Familial cancer of breast. Also called: hereditary breast carcinoma; Hereditary breast cancer; BREAST CANCER, FAMILIAL. Identifiers: Orphanet 227535, MedGen C0346153, MONDO:0016419, OMIM 114480. Disease mechanism: loss of function.
Inherited breast cancer and ovarian cancer.
Ataxia-telangiectasia syndrome (AT). Also called: Cerebello-oculocutaneous telangiectasia; Immunodeficiency with ataxia telangiectasia; Ataxia-telangiectasia, complementation group D; AT, COMPLEMENTATION GROUP C; ATAXIA-TELANGIECTASIA, COMPLEMENTATION GROUP A; ATAXIA-TELANGIECTASIA, FRESNO VARIANT. Identifiers: Orphanet 100, MedGen C0004135, MONDO:0008840, OMIM 208900.
Hereditary cancer-predisposing syndrome. Also called: Hereditary Cancer Syndrome; Tumor predisposition; Hereditary neoplastic syndrome; Neoplastic Syndromes, Hereditary. Identifiers: Orphanet 140162, MedGen C0027672, MeSH D009386, MONDO:0015356.

Allele frequency attached by ClinVar (database versions not stated): gnomAD exomes below 0.00001; gnomAD 0.00001.

Submissions (9):

Hema, HEMA – Genetic and Molecular Diagnostic Laboratory
Classification: Likely pathogenic for ATM-related cancer predisposition. Last evaluated: 2026-09-14. Review status: criteria provided, single submitter. Criteria: HEMA Variant Classification Assertion Criteria. Collection method: clinical testing. Allele origin: germline.
Comment: The c.5203dup (p.Thr1735AsnfsTer14) variant is a duplication of an adenine nucleotide that results in a frameshift in ATM. PVS1: Null variant (frameshift) in a gene for which loss of function is a known disease mechanism. The c.5203dup variant in the ATM gene is a frameshift variant that introduces a premature stop codon in exon 35/63, which is predicted to lead to nonsense-mediated decay (NMD) of the transcript. PM5_Supporting: Variant that introduces a premature stop codon upstream of codon 3047 of ATM.

Genomics and Molecular Medicine Service, East Genomic Laboratory Hub, NHS Genomic Medicine Service
Classification: Pathogenic for Inherited breast cancer and ovarian cancer. Last evaluated: 2026-03-17. Review status: criteria provided, single submitter. Criteria: ACGS Best Practice Guidelines for Variant Classification in Rare Disease 2020. Collection method: clinical testing. Allele origin: germline. Affected: yes.
Comment: PVS1,PM2_Supporting,PM5_Supporting

Labcorp Genetics (formerly Invitae), Labcorp
Classification: Pathogenic for Ataxia-telangiectasia syndrome. Last evaluated: 2025-05-18. Review status: criteria provided, single submitter. Criteria: Invitae Variant Classification Sherloc (09022015). Collection method: clinical testing. Allele origin: germline.
Comment: This sequence change creates a premature translational stop signal (p.Thr1735Asnfs*14) in the ATM gene. It is expected to result in an absent or disrupted protein product. Loss-of-function variants in ATM are known to be pathogenic (PMID: 23807571, 25614872). This variant is not present in population databases (gnomAD no frequency). This variant has not been reported in the literature in individuals affected with ATM-related conditions. ClinVar contains an entry for this variant (Variation ID: 236731). Algorithms developed to predict the effect of sequence changes on RNA splicing suggest that this variant may disrupt the consensus splice site. For these reasons, this variant has been classified as Pathogenic.

Ambry Genetics
Classification: Pathogenic for Hereditary cancer-predisposing syndrome. Last evaluated: 2024-10-15. Review status: criteria provided, single submitter. Criteria: Ambry Variant Classification Scheme 2023. Collection method: clinical testing. Allele origin: germline.
Comment: The c.5203dupA pathogenic mutation, located in coding exon 34 of the ATM gene, results from a duplication of A at nucleotide position 5203, causing a translational frameshift with a predicted alternate stop codon (p.T1735Nfs*14). This alteration was identified in 1/10030 consecutive patients referred for evaluation by an NGS hereditary cancer panel (Susswein LR et al. Genet Med, 2016 08;18:823-32). This variant is considered to be rare based on population cohorts in the Genome Aggregation Database (gnomAD). In addition to the clinical data presented in the literature, this alteration is expected to result in loss of function by premature protein truncation or nonsense-mediated mRNA decay. As such, this alteration is interpreted as a disease-causing mutation.

Myriad Genetics, Inc.
Classification: Pathogenic for Familial cancer of breast. Last evaluated: 2024-01-25. Review status: criteria provided, single submitter. Criteria: Myriad Autosomal Dominant, Autosomal Recessive and X-Linked Classification Criteria (2023). Collection method: clinical testing. Allele origin: unknown.
Comment: This variant is considered pathogenic. This variant creates a frameshift predicted to result in premature protein truncation.

Baylor Genetics
Classification: Likely pathogenic for Familial cancer of breast. Last evaluated: 2023-08-12. Review status: criteria provided, single submitter. Criteria: ACMG Guidelines, 2015. Collection method: clinical testing. Allele origin: unknown.

Color Diagnostics, LLC DBA Color Health
Classification: Pathogenic for Hereditary cancer-predisposing syndrome. Last evaluated: 2020-01-15. Review status: criteria provided, single submitter. Criteria: ACMG Guidelines, 2015. Collection method: clinical testing. Allele origin: germline.
Comment: This variant inserts 1 nucleotide in exon 35 of the ATM gene, creating a frameshift and premature translation stop signal. This variant is expected to result in an absent or non-functional protein product. This variant has not been identified in the general population by the Genome Aggregation Database (gnomAD). Loss of ATM function is a known mechanism of disease. Based on the available evidence, this variant is classified as Pathogenic.

Clinical Genetics DNA and cytogenetics Diagnostics Lab, Erasmus MC, Erasmus Medical Center
Classification: Pathogenic. Review status: no assertion criteria provided. Collection method: clinical testing. Allele origin: germline. Affected: yes. Study: VKGL Data-share Consensus. Not counted in ClinVar's aggregate classification.

Diagnostic Laboratory, Department of Genetics, University Medical Center Groningen
Classification: Pathogenic. Review status: no assertion criteria provided. Collection method: clinical testing. Allele origin: germline. Affected: yes. Study: VKGL Data-share Consensus. Not counted in ClinVar's aggregate classification.

Literature cited by the submitters: PubMed 23807571 (cited by Labcorp Genetics (formerly Invitae), Labcorp); PubMed 25614872 (cited by Labcorp Genetics (formerly Invitae), Labcorp); PubMed 26681312 (cited by Ambry Genetics).